The following is an entry in ClinVar:

ClinVar aggregate classification (germline): Uncertain significance (1 of 4 stars; one submission).

Conditions:
Long QT syndrome (LQTS). Identifiers: MedGen C0023976, MeSH D008133, MONDO:0002442. Disease mechanism: loss of function. Inheritance: Various modes of inheritance.

gnomAD v4.1: 2 of 1,614,010 alleles (0.00012%); highest among the groups gnomAD compares: African/African-American, 0.0013%; no homozygotes.

Submission:

Labcorp Genetics (formerly Invitae), Labcorp
Classification: Uncertain significance for Long QT syndrome. Last evaluated: 2024-04-07. Review status: criteria provided, single submitter. Criteria: Invitae Variant Classification Sherloc (09022015). Collection method: clinical testing. Allele origin: germline.
Comment: This sequence change replaces valine, which is neutral and non-polar, with glycine, which is neutral and non-polar, at codon 1963 of the ANK2 protein (p.Val1963Gly). This variant is present in population databases (rs775547971, gnomAD 0.007%). This variant has not been reported in the literature in individuals affected with ANK2-related conditions. An algorithm developed to predict the effect of missense changes on protein structure and function (PolyPhen-2) suggests that this variant is likely to be tolerated. In summary, the available evidence is currently insufficient to determine the role of this variant in disease. Therefore, it has been classified as a Variant of Uncertain Significance.

NM_001148.6(ANK2):c.5888T>G (p.Val1963Gly)

Genes: ANK2 (ankyrin 2; plus strand), LOC126807136 (MED14-independent group 3 enhancer GRCh37_chr4:114274931-114276130; plus strand). Cytogenetic location: 4q26.
Variant type: single nucleotide variant.
Coding change: c.5888T>G on transcript NM_001148.6 (MANE Select); coding-DNA position 5888, T replaced by G.
Protein change: p.Val1963Gly; replaces valine 1963 with glycine.
Molecular consequence: missense variant. On other transcripts: intron variant (68).
Genome position (GRCh38, 1-based): chr4:113,354,506, T>G. VCF-style: chr4-113354506-T-G. GRCh37 (hg19) VCF-style: chr4-114275662-T-G.
Other names: c.5654T>G, p.Val1885Gly (NM_001386142.1); c.2288T>G, p.Val763Gly (NM_001386166.1); c.6029T>G, p.Val2010Gly (NM_001386174.1); c.6005T>G, p.Val2002Gly (NM_001386175.1); c.4411+4257T>G (NM_001386186.2, NM_001386148.2); c.4213+4257T>G (NM_001354269.3); c.4291+4257T>G (NM_001386187.2); c.4252+4257T>G (NM_001386147.1); and 35 more; short protein forms V2002G, V1963G, V1885G, V763G, V2010G.
Identifiers: ClinVar variation 3648308 (VCV003648308.2).